The following is an entry in ClinVar:

ClinVar aggregate classification (germline): Uncertain significance (1 of 4 stars; one submission).

Conditions:
Immunodeficiency, common variable, 10. Also called: IMMUNODEFICIENCY, COMMON VARIABLE, WITH CENTRAL ADRENAL INSUFFICIENCY; DEFICIT IN ANTERIOR PITUITARY FUNCTION AND VARIABLE IMMUNODEFICIENCY. Identifiers: MedGen C3809991, MONDO:0014260, OMIM 615577.

gnomAD v4.1: 2 of 1,571,598 alleles (0.00013%); highest among the groups gnomAD compares: Non-Finnish European, 0.000086%; no homozygotes.

Submission:

Labcorp Genetics (formerly Invitae), Labcorp
Classification: Uncertain significance for Immunodeficiency, common variable, 10. Last evaluated: 2024-10-30. Review status: criteria provided, single submitter. Criteria: Invitae Variant Classification Sherloc (09022015). Collection method: clinical testing. Allele origin: germline.
Comment: This sequence change replaces proline, which is neutral and non-polar, with serine, which is neutral and polar, at codon 887 of the NFKB2 protein (p.Pro887Ser). The frequency data for this variant in the population databases is considered unreliable, as metrics indicate poor data quality at this position in the gnomAD database. This variant has not been reported in the literature in individuals affected with NFKB2-related conditions. An algorithm developed to predict the effect of missense changes on protein structure and function (PolyPhen-2) suggests that this variant is likely to be tolerated. In summary, the available evidence is currently insufficient to determine the role of this variant in disease. Therefore, it has been classified as a Variant of Uncertain Significance.

NM_001322934.2(NFKB2):c.2659C>T (p.Pro887Ser)

Gene: NFKB2 (nuclear factor kappa B subunit 2; plus strand). Cytogenetic location: 10q24.32.
Variant type: single nucleotide variant.
Coding change: c.2659C>T on transcript NM_001322934.2 (MANE Select); coding-DNA position 2659, C replaced by T.
Protein change: p.Pro887Ser; replaces proline 887 with serine.
Molecular consequence: missense variant.
Genome position (GRCh38, 1-based): chr10:102,402,332, C>T. VCF-style: chr10-102402332-C-T. GRCh37 (hg19) VCF-style: chr10-104162089-C-T.
Other names: c.2659C>T, p.Pro887Ser (NM_001077494.3); c.2656C>T, p.Pro886Ser (NM_001261403.3, NM_001288724.1, NM_002502.6); c.2533C>T, p.Pro845Ser (NM_001322935.1); short protein forms P845S, P886S, P887S.
Identifiers: ClinVar variation 3615972 (VCV003615972.2).